The following is an entry in ClinVar:

ClinVar aggregate classification (germline): Uncertain significance (1 of 4 stars; one submission).

Conditions:
Congenital myopathy with internal nuclei and atypical cores. Also called: Myopathy, centronuclear, 4. Identifiers: Orphanet 319160, MedGen C4707232, MONDO:0013890, OMIM 614807.

gnomAD v4.1: 18 of 1,607,326 alleles (0.0011%); highest among the groups gnomAD compares: Non-Finnish European, 0.0014%; no homozygotes.

Submission:

Labcorp Genetics (formerly Invitae), Labcorp
Classification: Uncertain significance for Congenital myopathy with internal nuclei and atypical cores. Last evaluated: 2023-09-29. Review status: criteria provided, single submitter. Criteria: Invitae Variant Classification Sherloc (09022015). Collection method: clinical testing. Allele origin: germline.
Comment: Advanced modeling of protein sequence and biophysical properties (such as structural, functional, and spatial information, amino acid conservation, physicochemical variation, residue mobility, and thermodynamic stability) performed at Invitae indicates that this missense variant is not expected to disrupt CCDC78 protein function. This sequence change replaces glutamic acid, which is acidic and polar, with lysine, which is basic and polar, at codon 155 of the CCDC78 protein (p.Glu155Lys). This variant is present in population databases (no rsID available, gnomAD 0.003%). This variant has not been reported in the literature in individuals affected with CCDC78-related conditions. ClinVar contains an entry for this variant (Variation ID: 1409697). In summary, the available evidence is currently insufficient to determine the role of this variant in disease. Therefore, it has been classified as a Variant of Uncertain Significance.

NM_001378030.1(CCDC78):c.463G>A (p.Glu155Lys)

Gene: CCDC78 (coiled-coil domain containing 78; minus strand). Cytogenetic location: 16p13.3.
Variant type: single nucleotide variant.
Coding change: c.463G>A on transcript NM_001378030.1 (MANE Select); coding-DNA position 463, G replaced by A.
Protein change: p.Glu155Lys; replaces glutamic acid 155 with lysine.
Molecular consequence: missense variant. On other transcripts: non-coding transcript variant (5).
Genome position (GRCh38, 1-based): chr16:725,266, C>T on the plus strand (G>A on the coding strand, the complement: CCDC78 is on the minus strand). VCF-style: chr16-725266-C-T. GRCh37 (hg19) VCF-style: chr16-775266-C-T.
Other names: c.463G>A, p.Glu155Lys (NM_001031737.3, NM_001378031.1); c.10G>A, p.Glu4Lys (NM_001378033.1); short protein forms E155K, E4K.
Identifiers: ClinVar variation 1409697 (VCV001409697.6), dbSNP rs369344548, ClinGen allele CA276520735.